The following is an entry in ClinVar:

NM_007194.4(CHEK2):c.1513T>C (p.Ser505Pro)

Gene: CHEK2 (checkpoint kinase 2; minus strand). Cytogenetic location: 22q12.1.
Variant type: single nucleotide variant.
Coding change: c.1513T>C on transcript NM_007194.4 (MANE Select); coding-DNA position 1513, T replaced by C.
Protein change: p.Ser505Pro; replaces serine 505 with proline.
Molecular consequence: missense variant.
Genome position (GRCh38, 1-based): chr22:28,689,164, A>G on the plus strand (T>C on the coding strand, the complement: CHEK2 is on the minus strand). VCF-style: chr22-28689164-A-G. GRCh37 (hg19) VCF-style: chr22-29085152-A-G.
Other names: c.1312T>C, p.Ser438Pro (NM_001349956.3); c.1426T>C, p.Ser476Pro (NM_145862.3); c.1642T>C, p.Ser548Pro (NM_001005735.3); c.850T>C, p.Ser284Pro (NM_001257387.3); short protein forms S505P, S476P, S548P, S284P, S438P.
Identifiers: ClinVar variation 141718 (VCV000141718.35), dbSNP rs587781960, ClinGen allele CA166219.

ClinVar aggregate classification (germline): Conflicting classifications of pathogenicity. Review status: criteria provided, conflicting classifications (1 of 4 stars). 12 submissions from 12 submitters: Uncertain significance (10); Likely benign (1). 1 of the submissions does not count toward it. Last evaluated 2026-01-14.

Conditions:
CHEK2-related cancer predisposition (TPDS4). Also called: TUMOR PREDISPOSITION SYNDROME 4; CANCER PREDISPOSITION SYNDROME, CHEK2-RELATED; CHEK2-related cancer susceptibility. Identifiers: Orphanet 524, MedGen C5882668, MONDO:0700271, OMIM 609265.
Bone osteosarcoma. Also called: Osteosarcoma, somatic. Identifiers: Orphanet 668, MedGen C0585442, MONDO:0002629, OMIM 259500.
Familial prostate cancer. Also called: Hereditary Prostate Cancer. Identifiers: MedGen C2931456, MONDO:0700275, OMIM 176807.
Hereditary cancer-predisposing syndrome. Also called: Neoplastic Syndromes, Hereditary; Hereditary neoplastic syndrome; Hereditary Cancer Syndrome; Tumor predisposition. Identifiers: Orphanet 140162, MedGen C0027672, MeSH D009386, MONDO:0015356.
Familial cancer of breast. Also called: BREAST CANCER, FAMILIAL; hereditary breast carcinoma; Hereditary breast cancer. Identifiers: Orphanet 227535, MedGen C0346153, MONDO:0016419, OMIM 114480. Disease mechanism: loss of function.

Allele frequency attached by ClinVar (database versions not stated): TOPMed 0.00002; gnomAD 0.00003.
gnomAD v4.1: 7 of 1,595,378 alleles (0.00044%); highest among the groups gnomAD compares: Admixed American, 0.0033%; no homozygotes.

Submissions (12):

Labcorp Genetics (formerly Invitae), Labcorp
Classification: Uncertain significance for Familial cancer of breast. Last evaluated: 2026-01-14. Review status: criteria provided, single submitter. Criteria: Invitae Variant Classification Sherloc (09022015). Collection method: clinical testing. Allele origin: germline.
Comment: This sequence change replaces serine, which is neutral and polar, with proline, which is neutral and non-polar, at codon 505 of the CHEK2 protein (p.Ser505Pro). This variant is present in population databases (rs587781960, gnomAD 0.003%). This missense change has been observed in individual(s) with CHEK2-related cancer (PMID: 35264596, 37842866). ClinVar contains an entry for this variant (Variation ID: 141718). An algorithm developed to predict the effect of missense changes on protein structure and function outputs the following: PolyPhen-2: "Benign". The proline amino acid residue is found in multiple mammalian species, which suggests that this missense change does not adversely affect protein function. Experimental studies have shown that this missense change does not substantially affect CHEK2 function (PMID: 37449874). In summary, the available evidence is currently insufficient to determine the role of this variant in disease. Therefore, it has been classified as a Variant of Uncertain Significance.

Women's Health and Genetics/Laboratory Corporation of America, LabCorp
Classification: Uncertain significance. Last evaluated: 2025-09-03. Review status: criteria provided, single submitter. Criteria: LabCorp Variant Classification Summary - May 2015. Collection method: clinical testing. Allele origin: germline.
Comment: Variant summary: CHEK2 c.1513T>C (p.Ser505Pro) results in a non-conservative amino acid change in the encoded protein sequence. Algorithms developed to predict the effect of missense changes on protein structure and function are either unavailable or do not agree on the potential impact of this missense change. The variant allele was found at a frequency of 1.3e-05 in 233642 control chromosomes. The available data on variant occurrences in the general population are insufficient to allow any conclusion about variant significance. c.1513T>C has been reported in the literature in one individual affected with breast cancer (Guindalini_2022). This report does not provide unequivocal conclusions about association of the variant with Hereditary Breast And Ovarian Cancer Syndrome. To our knowledge, no experimental evidence demonstrating an impact on protein function has been reported. The following publication has been ascertained in the context of this evaluation (PMID: 35264596). ClinVar contains an entry for this variant (Variation ID: 141718). Based on the evidence outlined above, the variant was classified as uncertain significance.

Quest Diagnostics Nichols Institute San Juan Capistrano
Classification: Uncertain significance. Last evaluated: 2024-11-12. Review status: criteria provided, single submitter. Criteria: Quest Diagnostics criteria. Collection method: clinical testing. Allele origin: unknown.
Comment: The CHEK2 c.1513T>C (p.Ser505Pro) variant has been reported in the published literature in an individual with breast cancer (PMID: 35264596 (2022)), in an individual with prostate cancer (PMID: 37842866 (2024)), and in a reportedly healthy individual (PMID: 31206626 (2019)). In addition, a published functional study showed that this variant results in similar kinase activity to the wildtype, however further studies are needed to determine the global effect of this variant on CHEK2 protein activity (PMID: 37449874 (2023)). The frequency of this variant in the general population, 0.000024 (3/124104 chromosomes (Genome Aggregation Database)), is uninformative in the assessment of its pathogenicity. Analysis of this variant using bioinformatics tools for the prediction of the effect of amino acid changes on protein structure and function yielded predictions that this variant is benign. Based on the available information, we are unable to determine the clinical significance of this variant.

Ambry Genetics
Classification: Likely benign for Hereditary cancer-predisposing syndrome. Last evaluated: 2024-06-26. Review status: criteria provided, single submitter. Criteria: Ambry Variant Classification Scheme 2023. Collection method: clinical testing. Allele origin: germline.

Color Diagnostics, LLC DBA Color Health
Classification: Uncertain significance for Hereditary cancer-predisposing syndrome. Last evaluated: 2024-06-25. Review status: criteria provided, single submitter. Criteria: ACMG Guidelines, 2015. Collection method: clinical testing. Allele origin: germline.
Comment: This missense variant replaces serine with proline at codon 505 of the CHEK2 protein. Computational prediction suggests that this variant may not impact protein structure and function (internally defined REVEL score threshold <= 0.5, PMID: 27666373). To our knowledge, functional studies have not been reported for this variant. This variant has been reported in an individual affected with breast cancer (PMID: 35264596) and in an individual affected with prostate cancer (PMID: 37842866). This variant has been identified in 4/265056 chromosomes in the general population by the Genome Aggregation Database (gnomAD). The available evidence is insufficient to determine the role of this variant in disease conclusively. Therefore, this variant is classified as a Variant of Uncertain Significance.

Fulgent Genetics
Classification: Uncertain significance for Familial prostate cancer; Bone osteosarcoma; CHEK2-related cancer predisposition. Last evaluated: 2024-06-10. Review status: criteria provided, single submitter. Criteria: ACMG Guidelines, 2015. Collection method: clinical testing. Allele origin: germline.

Blueprint Genetics
Classification: Uncertain significance. Last evaluated: 2023-08-24. Review status: criteria provided, single submitter. Criteria: ACMG Guidelines, 2015. Collection method: clinical testing. Allele origin: germline.

Baylor Genetics
Classification: Uncertain significance for Familial cancer of breast. Last evaluated: 2023-08-02. Review status: criteria provided, single submitter. Criteria: ACMG Guidelines, 2015. Collection method: clinical testing. Allele origin: unknown.

GeneDx
Classification: Uncertain significance. Last evaluated: 2023-06-06. Review status: criteria provided, single submitter. Criteria: GeneDx Variant Classification Process June 2021. Collection method: clinical testing. Allele origin: germline. Affected: yes.
Comment: Not observed at significant frequency in large population cohorts (gnomAD); In silico analysis supports that this missense variant does not alter protein structure/function; Observed in a patient with breast cancer (Guindalini et al., 2022); This variant is associated with the following publications: (PMID: 35264596)

Sema4
Classification: Uncertain significance for Hereditary cancer-predisposing syndrome. Last evaluated: 2021-09-25. Review status: criteria provided, single submitter. Criteria: Sema4 Curation Guidelines. Collection method: curation. Allele origin: germline.
Comment: The CHEK2 c.1513T>C (p.S505P) variant has not been reported in the literature to our knowledge. It was observed in 1/35206 chromosomes of the Latino subpopulation in the large and broad cohorts of the Genome Aggregation Database (PMID: 32461654). The variant has been reported in ClinVar (Variation ID 141718). In silico tools suggest the impact of the variant on protein function is benign, though these predictions have not been confirmed by functional studies. The evidence is insufficient to meet ACMG/AMP criteria for classifying the variant as benign or pathogenic. Thus, the clinical significance of this variant is currently uncertain.

Mendelics
Classification: Uncertain significance for Familial cancer of breast. Last evaluated: 2018-07-02. Review status: criteria provided, single submitter. Criteria: Mendelics Assertion Criteria 2017. Collection method: clinical testing. Allele origin: unknown.

Genetic Services Laboratory, University of Chicago
Classification: Uncertain significance. Last evaluated: 2022-07-14. Review status: no assertion criteria provided. Collection method: clinical testing. Allele origin: germline. Affected: no. Not counted in ClinVar's aggregate classification.
Comment: DNA sequence analysis of the CHEK2 gene demonstrated a sequence change, c.1513T>C, in exon 14 that results in an amino acid change, p.Ser505Pro. This sequence change does not appear to have been previously described in individuals with CHEK2-related disorders. This sequence change has been described in the gnomAD database with a frequency of 0.0028% in the Latino subpopulation (dbSNP rs587781960). The p.Ser505Pro change affects a poorly conserved amino acid residue located in a domain of the CHEK2 protein that is not known to be functional. The p.Ser505Pro substitution appears to be benign using several in-silico pathogenicity prediction tools (SIFT, PolyPhen2, Align GVGD, REVEL). Due to insufficient evidences and the lack of functional studies, the clinical significance of the p.Ser505Pro change remains unknown at this time.

Literature cited by the submitters: PubMed 35264596 (cited by 5 submitters); PubMed 37842866 (cited by 4 submitters); PubMed 37449874 (cited by 3 submitters); PubMed 31206626 (cited by Quest Diagnostics Nichols Institute San Juan Capistrano and Ambry Genetics).